The following is an entry in ClinVar:

NM_002693.3(POLG):c.2994G>C (p.Ser998=)

Gene: POLG (DNA polymerase gamma, catalytic subunit; minus strand). Cytogenetic location: 15q26.1.
Variant type: single nucleotide variant.
Coding change: c.2994G>C on transcript NM_002693.3 (MANE Select); coding-DNA position 2994, G replaced by C.
Protein change: p.Ser998=; no amino-acid change (serine 998 retained).
Molecular consequence: synonymous variant.
Genome position (GRCh38, 1-based): chr15:89,319,338, C>G on the plus strand (G>C on the coding strand, the complement: POLG is on the minus strand). VCF-style: chr15-89319338-C-G. GRCh37 (hg19) VCF-style: chr15-89862569-C-G.
Other names: c.2994G>C, p.Ser998= (NM_001126131.2).
Identifiers: ClinVar variation 287775 (VCV000287775.25), dbSNP rs567030498, ClinGen allele CA7724281.

ClinVar aggregate classification (germline): Benign/Likely benign. Review status: criteria provided, multiple submitters, no conflicts (2 of 4 stars). 9 submissions from 9 submitters: Benign (2); Likely benign (7). Last evaluated 2026-02-02.

Conditions:
POLG-related disorder. Also called: POLG-related condition; POLG-Related Disorders; POLG-Related Spectrum Disorders. Identifiers: MedGen C4763519.
Hereditary spastic paraplegia. Also called: Familial spastic paraparesis. Identifiers: Orphanet 685, MedGen C0037773, MONDO:0019064. Disease mechanism: loss of function.
Progressive sclerosing poliodystrophy (MTDPS4A). Also called: NEURONAL DEGENERATION OF CHILDHOOD WITH LIVER DISEASE, PROGRESSIVE; ALPERS PROGRESSIVE INFANTILE POLIODYSTROPHY; Mitochondrial DNA Depletion Syndrome 4A; Alpers Syndrome; ALPERS DIFFUSE DEGENERATION OF CEREBRAL GRAY MATTER WITH HEPATIC CIRRHOSIS; Alpers-Huttenlocher Syndrome. Identifiers: Orphanet 726, MedGen C0205710, MONDO:0008758, OMIM 203700.
Inborn genetic diseases. Identifiers: MedGen C0950123, MeSH D030342.

Allele frequency attached by ClinVar (database versions not stated): TOPMed 0.00003; ExAC 0.00044; 1000 Genomes Project 0.00060; 1000 Genomes Project 30x 0.00062.
gnomAD v4.1: 297 of 1,614,058 alleles (0.018%); highest among the groups gnomAD compares: South Asian, 0.31%; 5 homozygotes.

Submissions (9):

PreventionGenetics, part of Exact Sciences
Classification: Likely benign for POLG-related condition. Last evaluated: 2026-02-02. Review status: criteria provided, single submitter. Criteria: ACMG Guidelines, 2015. Collection method: clinical testing. Allele origin: germline.
Comment: This variant is classified as likely benign based on ACMG/AMP sequence variant interpretation guidelines (Richards et al. 2015 PMID: 25741868, with internal and published modifications).

Labcorp Genetics (formerly Invitae), Labcorp
Classification: Benign for Progressive sclerosing poliodystrophy. Last evaluated: 2026-01-09. Review status: criteria provided, single submitter. Criteria: Invitae Variant Classification Sherloc (09022015). Collection method: clinical testing. Allele origin: germline.

Athena Diagnostics
Classification: Benign. Last evaluated: 2024-03-13. Review status: criteria provided, single submitter. Criteria: Athena Diagnostics Criteria. Collection method: clinical testing. Allele origin: unknown.

Blueprint Genetics
Classification: Likely benign. Last evaluated: 2023-06-05. Review status: criteria provided, single submitter. Criteria: ACMG Guidelines, 2015. Collection method: clinical testing. Allele origin: germline.

Genome Diagnostics Laboratory, The Hospital for Sick Children
Classification: Likely benign for Hereditary spastic paraplegia. Last evaluated: 2021-09-20. Review status: criteria provided, single submitter. Criteria: ACMG Guidelines, 2015. Collection method: clinical testing. Allele origin: germline. Affected: yes.

GeneDx
Classification: Likely benign. Last evaluated: 2021-01-22. Review status: criteria provided, single submitter. Criteria: GeneDx Variant Classification Process June 2021. Collection method: clinical testing. Allele origin: germline. Affected: yes.

Ambry Genetics
Classification: Likely benign for Inborn genetic diseases. Last evaluated: 2019-05-08. Review status: criteria provided, single submitter. Criteria: Ambry Variant Classification Scheme 2023. Collection method: clinical testing. Allele origin: germline.

Wong Mito Lab, Molecular and Human Genetics, Baylor College of Medicine
Classification: Likely benign for Progressive sclerosing poliodystrophy. Last evaluated: 2018-10-01. Review status: criteria provided, single submitter. Criteria: ACMG Guidelines, 2015. Collection method: clinical testing. Allele origin: germline.
Comment: The NM_002693.2:c.2994G>C (NP_002684.1:p.Ser998=) [GRCH38: NC_000015.10:g.89319338C>G] variant in POLG gene is interpretated to be a Likely Benign based on ACMG guidelines (PMID: 25741868). This variant meets the following evidence codes reported in the ACMG-guideline. BP4:Computational evidence/predictors indicate no impact on the POLG structure, function, or protein-protein interaction. BP7:The variant is silent with non predicted splice impact. Based on the evidence criteria codes applied, the variant is suggested to be Likely Benign.

Eurofins Ntd Llc (ga)
Classification: Likely benign. Last evaluated: 2016-04-26. Review status: criteria provided, single submitter. Criteria: EGL Classification Definitions 2015. Collection method: clinical testing. Allele origin: germline. Observed: 1 variant allele, 1 heterozygote.